The following is an entry in ClinVar:

ClinVar aggregate classification (germline): Conflicting classifications of pathogenicity. Review status: criteria provided, conflicting classifications (1 of 4 stars). 3 submissions from 3 submitters: Uncertain significance (1); Likely benign (2). Last evaluated 2025-09-13.

Conditions:
Bethlem myopathy 1A. Also called: MYOPATHY, BENIGN CONGENITAL, WITH CONTRACTURES; Bethlem myopathy 1; Bethlem Muscular Dystrophy. Identifiers: Orphanet 610, MedGen CN029274, MONDO:0024530, OMIM 158810.

Allele frequency attached by ClinVar (database versions not stated): gnomAD 0.00001; ExAC 0.00002; gnomAD exomes 0.00003; TOPMed 0.00004.
gnomAD v4.1: 28 of 1,612,498 alleles (0.0017%); highest among the groups gnomAD compares: Admixed American, 0.0083%; no homozygotes.

Submissions (3):

Labcorp Genetics (formerly Invitae), Labcorp
Classification: Likely benign for Bethlem myopathy 1A. Last evaluated: 2025-09-13. Review status: criteria provided, single submitter. Criteria: Invitae Variant Classification Sherloc (09022015). Collection method: clinical testing. Allele origin: germline.

CeGaT Center for Human Genetics Tuebingen
Classification: Likely benign. Last evaluated: 2024-03-01. Review status: criteria provided, single submitter. Criteria: CeGaT Center For Human Genetics Tuebingen Variant Classification Criteria Version 2. Collection method: clinical testing. Allele origin: germline. Affected: yes. Observed: 2 variant alleles.
Comment: COL6A3: BP4, BP7

Eurofins Ntd Llc (ga)
Classification: Uncertain significance. Last evaluated: 2018-07-18. Review status: criteria provided, single submitter. Criteria: EGL ClinVar v180209 classification definitions. Collection method: clinical testing. Allele origin: germline. Observed: 1 variant allele, 1 heterozygote.

NM_004369.4(COL6A3):c.2487C>T (p.Leu829=)

Gene: COL6A3 (collagen type VI alpha 3 chain; minus strand). Cytogenetic location: 2q37.3.
Variant type: single nucleotide variant.
Coding change: c.2487C>T on transcript NM_004369.4 (MANE Select); coding-DNA position 2487, C replaced by T.
Protein change: p.Leu829=; no amino-acid change (leucine 829 retained).
Molecular consequence: synonymous variant. On other transcripts: intron variant (1).
Genome position (GRCh38, 1-based): chr2:237,378,646, G>A on the plus strand (C>T on the coding strand, the complement: COL6A3 is on the minus strand). VCF-style: chr2-237378646-G-A. GRCh37 (hg19) VCF-style: chr2-238287289-G-A.
Other names: c.1266C>T, p.Leu422= (NM_057164.5); c.1869C>T, p.Leu623= (NM_057165.5, NM_057167.4); c.677-1302C>T (NM_057166.5).
Identifiers: ClinVar variation 476509 (VCV000476509.56), dbSNP rs752530417, ClinGen allele CA2189404.